The following is an entry in ClinVar:

NM_001042492.3(NF1):c.5073G>T (p.Lys1691Asn)

Gene: NF1 (neurofibromin 1; plus strand). Cytogenetic location: 17q11.2.
Variant type: single nucleotide variant.
Coding change: c.5073G>T on transcript NM_001042492.3 (MANE Select); coding-DNA position 5073, G replaced by T.
Protein change: p.Lys1691Asn; replaces lysine 1691 with asparagine.
Molecular consequence: missense variant.
Genome position (GRCh38, 1-based): chr17:31,326,057, G>T. VCF-style: chr17-31326057-G-T. GRCh37 (hg19) VCF-style: chr17-29653075-G-T.
Other names: c.5010G>T, p.Lys1670Asn (NM_000267.4); short protein forms K1670N, K1691N.
Identifiers: ClinVar variation 1744764 (VCV001744764.2), dbSNP rs1597829953, ClinGen allele CA399007451.
Genomic context (GRCh38, chr17:31,326,057, plus strand): 5'-CGACAACGTCTCCGCAGTCTATATCTATAACTGTAACTCCTGGGTCAGGGAGTACACCAA[G>T]TATCATGAGCGGCTGCTGACTGGCCTCAAAGGTAGCAAAAGGCTTGTTTTCATAGACTGT-3'
Protein context (NP_001035957.1, residues 1681-1701): NCNSWVREYT[Lys1691Asn]YHERLLTGLK

ClinVar aggregate classification (germline): Uncertain significance (1 of 4 stars; one submission).

Conditions:
Cardiovascular phenotype. Identifiers: MedGen CN230736.
Hereditary cancer-predisposing syndrome. Also called: Hereditary Cancer Syndrome; Neoplastic Syndromes, Hereditary; Tumor predisposition; Hereditary neoplastic syndrome. Identifiers: Orphanet 140162, MedGen C0027672, MeSH D009386, MONDO:0015356.

Submission:

Ambry Genetics
Classification: Uncertain significance for Cardiovascular phenotype; Hereditary cancer-predisposing syndrome. Last evaluated: 2019-11-25. Review status: criteria provided, single submitter. Criteria: Ambry Variant Classification Scheme 2023. Collection method: clinical testing. Allele origin: germline.
Comment: The p.K1670N variant (also known as c.5010G>T), located in coding exon 36 of the NF1 gene, results from a G to T substitution at nucleotide position 5010. The lysine at codon 1670 is replaced by asparagine, an amino acid with similar properties. This amino acid position is highly conserved in available vertebrate species. In addition, this alteration is predicted to be tolerated by in silico analysis. Since supporting evidence is limited at this time, the clinical significance of this alteration remains unclear.